The following is an entry in ClinVar:

ClinVar aggregate classification (germline): Uncertain significance. Review status: criteria provided, multiple submitters, no conflicts (2 of 4 stars). 2 submissions from 2 submitters: Uncertain significance (2). Last evaluated 2026-08-13.

Conditions:
Inborn genetic diseases. Identifiers: MedGen C0950123, MeSH D030342.
Familial juvenile hyperuricemic nephropathy type 1 (ADTKD1). Also called: Glomerulocystic kidney disease with hyperuricemia and isosthenuria; Medullary cystic kidney disease 2; Autosomal Dominant Tubulointerstitial Kidney Disease – UMOD; UMOD-Associated Kidney Disease; Uromodulin-associated kidney disease. Identifiers: Orphanet 209886, Orphanet 34149, Orphanet 88950, MedGen C4551496, MONDO:0008073, OMIM 162000.

gnomAD v4.1: 3 of 1,573,388 alleles (0.00019%); highest among the groups gnomAD compares: African/African-American, 0.004%; no homozygotes.

Submissions (2):

Ambry Genetics
Classification: Uncertain significance for Inborn genetic diseases. Last evaluated: 2026-08-13. Review status: criteria provided, single submitter. Criteria: Ambry Variant Classification Scheme 2023. Collection method: clinical testing. Allele origin: germline.
Comment: The c.343C>A (p.P115T) alteration is located in exon 3 (coding exon 2) of the UMOD gene. This alteration results from a C to A substitution at nucleotide position 343, causing the proline (P) at amino acid position 115 to be replaced by a threonine (T). Based on data from gnomAD, the A allele has an overall frequency of <0.001% (1/184322) total alleles studied. The highest observed frequency was 0.009% (1/10802) of African alleles. Based on insufficient or conflicting evidence, the clinical significance of this alteration remains unclear.

Fulgent Genetics
Classification: Uncertain significance for Familial juvenile hyperuricemic nephropathy type 1. Last evaluated: 2024-03-28. Review status: criteria provided, single submitter. Criteria: ACMG Guidelines, 2015. Collection method: clinical testing. Allele origin: germline.

NM_003361.4(UMOD):c.343C>A (p.Pro115Thr)

Gene: UMOD (uromodulin; minus strand). Cytogenetic location: 16p12.3.
Variant type: single nucleotide variant.
Coding change: c.343C>A on transcript NM_003361.4 (MANE Select); coding-DNA position 343, C replaced by A.
Protein change: p.Pro115Thr; replaces proline 115 with threonine.
Molecular consequence: missense variant. On other transcripts: non-coding transcript variant (1).
Genome position (GRCh38, 1-based): chr16:20,348,958, G>T on the plus strand (C>A on the coding strand, the complement: UMOD is on the minus strand). VCF-style: chr16-20348958-G-T. GRCh37 (hg19) VCF-style: chr16-20360280-G-T.
Other names: c.343C>A, p.Pro115Thr (NM_001008389.3, NM_001378232.1, NM_001378233.1 and 3 more transcripts); c.442C>A, p.Pro148Thr (NM_001278614.2); c.343C>A (NM_003361.2); short protein forms P115T, P148T.
Identifiers: ClinVar variation 3578763 (VCV003578763.2).